The following is an entry in ClinVar:

ClinVar aggregate classification (germline): Uncertain significance. Review status: criteria provided, multiple submitters, no conflicts (2 of 4 stars). 2 submissions from 2 submitters: Uncertain significance (2). Last evaluated 2025-11-23.

Conditions:
Cardiovascular phenotype. Identifiers: MedGen CN230736.
Hereditary cancer-predisposing syndrome. Also called: Hereditary Cancer Syndrome; Hereditary neoplastic syndrome; Tumor predisposition; Neoplastic Syndromes, Hereditary. Identifiers: Orphanet 140162, MedGen C0027672, MeSH D009386, MONDO:0015356.

Allele frequency attached by ClinVar (database versions not stated): TOPMed 0.00001.

Submissions (2):

Ambry Genetics
Classification: Uncertain significance for Cardiovascular phenotype; Hereditary cancer-predisposing syndrome. Last evaluated: 2025-11-23. Review status: criteria provided, single submitter. Criteria: Ambry Variant Classification Scheme 2023. Collection method: clinical testing. Allele origin: germline.
Comment: The p.I727L variant (also known as c.2179A>C), located in coding exon 18 of the LZTR1 gene, results from an A to C substitution at nucleotide position 2179. The isoleucine at codon 727 is replaced by leucine, an amino acid with highly similar properties. This amino acid position is conserved. In addition, the in silico prediction for this alteration is inconclusive. Since supporting evidence is limited at this time, the clinical significance of this alteration remains unclear.

Labcorp Genetics (formerly Invitae), Labcorp
Classification: Uncertain significance. Last evaluated: 2024-02-29. Review status: criteria provided, single submitter. Criteria: Invitae Variant Classification Sherloc (09022015). Collection method: clinical testing. Allele origin: germline.
Comment: This sequence change replaces isoleucine, which is neutral and non-polar, with leucine, which is neutral and non-polar, at codon 727 of the LZTR1 protein (p.Ile727Leu). This variant is not present in population databases (gnomAD no frequency). This variant has not been reported in the literature in individuals affected with LZTR1-related conditions. ClinVar contains an entry for this variant (Variation ID: 1959091). Advanced modeling of protein sequence and biophysical properties (such as structural, functional, and spatial information, amino acid conservation, physicochemical variation, residue mobility, and thermodynamic stability) performed at Invitae indicates that this missense variant is not expected to disrupt LZTR1 protein function with a negative predictive value of 80%. In summary, the available evidence is currently insufficient to determine the role of this variant in disease. Therefore, it has been classified as a Variant of Uncertain Significance.

NM_006767.4(LZTR1):c.2179A>C (p.Ile727Leu)

Gene: LZTR1 (leucine zipper like post translational regulator 1; plus strand). Cytogenetic location: 22q11.21.
Variant type: single nucleotide variant.
Coding change: c.2179A>C on transcript NM_006767.4 (MANE Select); coding-DNA position 2179, A replaced by C.
Protein change: p.Ile727Leu; replaces isoleucine 727 with leucine.
Molecular consequence: missense variant.
Genome position (GRCh38, 1-based): chr22:20,996,072, A>C. VCF-style: chr22-20996072-A-C. GRCh37 (hg19) VCF-style: chr22-21350361-A-C.
Other names: c.2179A>C (NM_006767.3); short protein forms I727L.
Identifiers: ClinVar variation 1959091 (VCV001959091.7), dbSNP rs1924833637, ClinGen allele CA410779959.
Genomic context (GRCh38, chr22:20,996,072, plus strand): 5'-AACATCTCCATCGGGGAGATGGTGCCCAGCAGGCAGGCCTTCGAGTCCATGCTGCGCTAC[A>C]TCTACTACGGCGAGGTCAACATGCCGCCCGAGGACTCGCTGCATCCTCACTCCCCAGTGA-3'
Protein context (NP_006758.2, residues 717-737): RQAFESMLRY[Ile727Leu]YYGEVNMPPE